The following is an entry in ClinVar:

NM_004565.3(PEX14):c.517G>T (p.Val173Phe)

Genes: PEX14 (peroxisomal biogenesis factor 14; plus strand), LOC126805616 (CDK7 strongly-dependent group 2 enhancer GRCh37_chr1:10683990-10685189; plus strand). Cytogenetic location: 1p36.22.
Variant type: single nucleotide variant.
Coding change: c.517G>T on transcript NM_004565.3 (MANE Select); coding-DNA position 517, G replaced by T.
Protein change: p.Val173Phe; replaces valine 173 with phenylalanine.
Molecular consequence: missense variant.
Genome position (GRCh38, 1-based): chr1:10,624,369, G>T. VCF-style: chr1-10624369-G-T. GRCh37 (hg19) VCF-style: chr1-10684426-G-T.
Other names: short protein forms V173F.
Identifiers: ClinVar variation 559024 (VCV000559024.11), dbSNP rs200019568, ClinGen allele CA583883.

ClinVar aggregate classification (germline): Uncertain significance. Review status: criteria provided, single submitter (1 of 4 stars). 2 submissions from 2 submitters: Uncertain significance (1). 1 of the submissions does not count toward it. Last evaluated 2025-02-03.

Conditions:
Peroxisome biogenesis disorder, complementation group K (CGK). Identifiers: MedGen C1866257, MONDO:0800365.

Allele frequency attached by ClinVar (database versions not stated): TOPMed 0.00003; gnomAD 0.00005.
gnomAD v4.1: 51 of 1,613,336 alleles (0.0032%); highest among the groups gnomAD compares: Non-Finnish European, 0.0042%; no homozygotes.

Submissions (3):

Labcorp Genetics (formerly Invitae), Labcorp
Classification: Uncertain significance for Peroxisome biogenesis disorder, complementation group K. Last evaluated: 2025-02-03. Review status: criteria provided, single submitter. Criteria: Invitae Variant Classification Sherloc (09022015). Collection method: clinical testing. Allele origin: germline.
Comment: This sequence change replaces valine, which is neutral and non-polar, with phenylalanine, which is neutral and non-polar, at codon 173 of the PEX14 protein (p.Val173Phe). This variant is present in population databases (rs200019568, gnomAD 0.006%). This variant has not been reported in the literature in individuals affected with PEX14-related conditions. ClinVar contains an entry for this variant (Variation ID: 559024). Invitae Evidence Modeling of protein sequence and biophysical properties (such as structural, functional, and spatial information, amino acid conservation, physicochemical variation, residue mobility, and thermodynamic stability) has been performed for this missense variant. However, the output from this modeling did not meet the statistical confidence thresholds required to predict the impact of this variant on PEX14 protein function. Algorithms developed to predict the effect of sequence changes on RNA splicing suggest that this variant may create or strengthen a splice site. In summary, the available evidence is currently insufficient to determine the role of this variant in disease. Therefore, it has been classified as a Variant of Uncertain Significance.

Mayo Clinic Laboratories, Mayo Clinic
Classification: Uncertain significance. Last evaluated: 2016-10-14. Review status: no assertion criteria provided. Collection method: clinical testing. Allele origin: unknown. Not counted in ClinVar's aggregate classification.

Dr. Peter K. Rogan Lab, Western University
No classification provided (evidence only). Condition: Uterine corpus endometrial carcinoma. Review status: no classification provided. Collection method: in vitro. Allele origin: not applicable. Functional consequence: retained intron. Not counted in ClinVar's aggregate classification.